The following is an entry in ClinVar:

NM_000136.3(FANCC):c.607C>T (p.Leu203Phe)

Genes: AOPEP (aminopeptidase O (putative); plus strand), FANCC (FA complementation group C; minus strand). Cytogenetic location: 9q22.32.
Variant type: single nucleotide variant.
Coding change: c.607C>T on transcript NM_000136.3 (MANE Select); coding-DNA position 607, C replaced by T.
Protein change: p.Leu203Phe; replaces leucine 203 with phenylalanine.
Molecular consequence: missense variant.
Genome position (GRCh38, 1-based): chr9:95,150,002, G>A on the plus strand (C>T on the coding strand, the complement: FANCC is on the minus strand). VCF-style: chr9-95150002-G-A. GRCh37 (hg19) VCF-style: chr9-97912284-G-A.
Other names: c.607C>T, p.Leu203Phe (NM_001243743.2, NM_001243744.2); short protein forms L203F.
Identifiers: ClinVar variation 237075 (VCV000237075.8), dbSNP rs878853672, ClinGen allele CA10582669.

ClinVar aggregate classification (germline): Uncertain significance. Review status: criteria provided, multiple submitters, no conflicts (2 of 4 stars). 2 submissions from 2 submitters: Uncertain significance (2). Last evaluated 2023-07-26.

Conditions:
Hereditary cancer-predisposing syndrome. Also called: Hereditary neoplastic syndrome; Hereditary Cancer Syndrome; Neoplastic Syndromes, Hereditary; Tumor predisposition. Identifiers: Orphanet 140162, MedGen C0027672, MeSH D009386, MONDO:0015356.
Fanconi anemia (FA). Also called: Fanconi's anemia. Identifiers: Orphanet 84, MedGen C0015625, MeSH D005199, MONDO:0019391.

Submissions (2):

Ambry Genetics
Classification: Uncertain significance for Hereditary cancer-predisposing syndrome. Last evaluated: 2023-07-26. Review status: criteria provided, single submitter. Criteria: Ambry Variant Classification Scheme 2023. Collection method: clinical testing. Allele origin: germline.
Comment: The p.L203F variant (also known as c.607C>T), located in coding exon 6 of the FANCC gene, results from a C to T substitution at nucleotide position 607. The leucine at codon 203 is replaced by phenylalanine, an amino acid with highly similar properties. This amino acid position is conserved. In addition, the in silico prediction for this alteration is inconclusive. Since supporting evidence is limited at this time, the clinical significance of this alteration remains unclear.

Labcorp Genetics (formerly Invitae), Labcorp
Classification: Uncertain significance for Fanconi anemia. Last evaluated: 2021-08-28. Review status: criteria provided, single submitter. Criteria: Invitae Variant Classification Sherloc (09022015). Collection method: clinical testing. Allele origin: germline.
Comment: This sequence change replaces leucine with phenylalanine at codon 203 of the FANCC protein (p.Leu203Phe). The leucine residue is highly conserved and there is a small physicochemical difference between leucine and phenylalanine. This variant is not present in population databases (ExAC no frequency). This variant has not been reported in the literature in individuals affected with FANCC-related conditions. Algorithms developed to predict the effect of missense changes on protein structure and function are either unavailable or do not agree on the potential impact of this missense change (SIFT: "Deleterious"; PolyPhen-2: "Probably Damaging"; Align-GVGD: "Class C0"). In summary, the available evidence is currently insufficient to determine the role of this variant in disease. Therefore, it has been classified as a Variant of Uncertain Significance.